The following is an entry in ClinVar:

NM_001079866.2(BCS1L):c.306A>T (p.Gly102=)

Gene: BCS1L (BCS1 ubiquinol-cytochrome c reductase complex chaperone; plus strand). Cytogenetic location: 2q35.
Variant type: single nucleotide variant.
Coding change: c.306A>T on transcript NM_001079866.2 (MANE Select); coding-DNA position 306, A replaced by T.
Protein change: p.Gly102=; no amino-acid change (glycine 102 retained).
Molecular consequence: synonymous variant. On other transcripts: 5 prime UTR variant (5), non-coding transcript variant (1), intron variant (3).
Genome position (GRCh38, 1-based): chr2:218,661,293, A>T. VCF-style: chr2-218661293-A-T. GRCh37 (hg19) VCF-style: chr2-219526016-A-T.
Other names: c.306A>T, p.Gly102= (NM_001257342.2, NM_001257343.2, NM_001257344.2 and 10 more transcripts); c.-171A>T (NM_001371453.1, NM_001371454.1, NM_001371455.1 and 2 more transcripts); c.-40-113A>T (NM_001371451.1, NM_001318836.2); c.-41-466A>T (NM_001371452.1).
Identifiers: ClinVar variation 4815341 (VCV004815341.1).

ClinVar aggregate classification (germline): Likely pathogenic (1 of 4 stars; one submission).

Conditions:
GRACILE syndrome (FLNMS). Also called: FELLMAN SYNDROME; FINNISH LETHAL NEONATAL METABOLIC SYNDROME. Identifiers: Orphanet 53693, MedGen C1864002, MONDO:0011308, OMIM 603358.

Submission:

Natera, Inc.
Classification: Likely pathogenic for GRACILE syndrome. Last evaluated: 2025-09-11. Review status: criteria provided, single submitter. Criteria: Natera Variant Classification Schema (03/2026). Collection method: clinical testing. Allele origin: germline.
Comment: The c.306A>T variant in BCS1L is a synonymous variant that does not alter the encoded amino acid at position 102 (p.G102=). This variant is rare in the general population with a frequency below the threshold expected for the associated phenotype(s). This variant has been observed in one or more individuals affected with the associated recessive disease, as either homozygous or compound heterozygous with a second variant (PMID: 28427446). Functional studies show that this variant may disrupt protein function (PMID: 28427446). Given the available evidence, this variant is classified as Likely Pathogenic.

Literature cited by the submitters: PubMed 28427446.